The following is an entry in ClinVar:

NM_001130823.3(DNMT1):c.1678C>T (p.Arg560Cys)

Gene: DNMT1 (DNA methyltransferase 1; minus strand). Cytogenetic location: 19p13.2.
Variant type: single nucleotide variant.
Coding change: c.1678C>T on transcript NM_001130823.3 (MANE Select); coding-DNA position 1678, C replaced by T.
Protein change: p.Arg560Cys; replaces arginine 560 with cysteine.
Molecular consequence: missense variant.
Genome position (GRCh38, 1-based): chr19:10,154,740, G>A on the plus strand (C>T on the coding strand, the complement: DNMT1 is on the minus strand). VCF-style: chr19-10154740-G-A. GRCh37 (hg19) VCF-style: chr19-10265416-G-A.
Other names: c.1630C>T, p.Arg544Cys (NM_001318730.2, NM_001379.4); c.1315C>T, p.Arg439Cys (NM_001318731.2); short protein forms R439C, R544C, R560C.
Identifiers: ClinVar variation 952729 (VCV000952729.14), dbSNP rs375474222, ClinGen allele CA9188247.

ClinVar aggregate classification (germline): Conflicting classifications of pathogenicity. Review status: criteria provided, conflicting classifications (1 of 4 stars). 5 submissions from 5 submitters: Uncertain significance (3); Likely benign (2). Last evaluated 2026-05-09.

Conditions:
Autosomal dominant cerebellar ataxia, deafness and narcolepsy. Also called: Autosomal Dominant Cerebellar Ataxia, Deafness, and Narcolepsy (ADCA-DN). Identifiers: Orphanet 314404, MedGen C4302668, MONDO:0011397, OMIM 604121.
Hereditary sensory neuropathy-deafness-dementia syndrome. Also called: Hereditary sensory neuropathy type IE; Hereditary Sensory and Autonomic Neuropathy Type 1E (HSAN1E); HSN IE; NEUROPATHY, HEREDITARY SENSORY, WITH HEARING LOSS AND DEMENTIA. Identifiers: Orphanet 456318, MedGen C3279885, MONDO:0013584, OMIM 614116.
Inborn genetic diseases. Identifiers: MedGen C0950123, MeSH D030342.

Allele frequency attached by ClinVar (database versions not stated): TOPMed 0.00002; gnomAD exomes 0.00003 and 0.00005; ExAC 0.00005; gnomAD 0.00005; ESP Exome Variant Server 0.00015.
gnomAD v4.1: 52 of 1,614,056 alleles (0.0032%); highest among the groups gnomAD compares: Non-Finnish European, 0.004%; no homozygotes.

Submissions (5):

GeneDx
Classification: Uncertain significance. Last evaluated: 2026-05-09. Review status: criteria provided, single submitter. Criteria: GeneDx Variant Classification Process June 2021. Collection method: clinical testing. Allele origin: germline.
Comment: In silico analysis supports that this missense variant has a deleterious effect on protein structure/function; Has not been previously published as pathogenic or benign to our knowledge; This variant is associated with the following publications: (PMID: 25942534, 25678562, 23521649)

Labcorp Genetics (formerly Invitae), Labcorp
Classification: Uncertain significance for Hereditary sensory neuropathy-deafness-dementia syndrome. Last evaluated: 2025-06-15. Review status: criteria provided, single submitter. Criteria: Invitae Variant Classification Sherloc (09022015). Collection method: clinical testing. Allele origin: germline.
Comment: This sequence change replaces arginine, which is basic and polar, with cysteine, which is neutral and slightly polar, at codon 560 of the DNMT1 protein (p.Arg560Cys). This variant is present in population databases (rs375474222, gnomAD 0.01%), and has an allele count higher than expected for a pathogenic variant. This variant has not been reported in the literature in individuals affected with DNMT1-related conditions. ClinVar contains an entry for this variant (Variation ID: 952729). Invitae Evidence Modeling of protein sequence and biophysical properties (such as structural, functional, and spatial information, amino acid conservation, physicochemical variation, residue mobility, and thermodynamic stability) indicates that this missense variant is not expected to disrupt DNMT1 protein function with a negative predictive value of 80%. In summary, the available evidence is currently insufficient to determine the role of this variant in disease. Therefore, it has been classified as a Variant of Uncertain Significance.

Blueprint Genetics
Classification: Likely benign. Last evaluated: 2024-05-06. Review status: criteria provided, single submitter. Criteria: ACMG Guidelines, 2015. Collection method: clinical testing. Allele origin: germline.

Department of Pathology and Laboratory Medicine, Sinai Health System
Classification: Uncertain significance for autosomal dominant cerebellar ataxia, deafness and narcolepsy. Last evaluated: 2022-05-27. Review status: criteria provided, single submitter. Criteria: ACMG Guidelines, 2015. Collection method: research. Allele origin: germline.

Ambry Genetics
Classification: Likely benign for Inborn genetic diseases. Last evaluated: 2020-03-20. Review status: criteria provided, single submitter. Criteria: Ambry Variant Classification Scheme 2023. Collection method: clinical testing. Allele origin: germline.